The following is an entry in ClinVar:

NM_006282.5(STK4):c.155C>T (p.Thr52Ile)

Gene: STK4 (serine/threonine kinase 4; plus strand). Cytogenetic location: 20q13.12.
Variant type: single nucleotide variant.
Coding change: c.155C>T on transcript NM_006282.5 (MANE Select); coding-DNA position 155, C replaced by T.
Protein change: p.Thr52Ile; replaces threonine 52 with isoleucine.
Molecular consequence: missense variant.
Genome position (GRCh38, 1-based): chr20:44,978,481, C>T. VCF-style: chr20-44978481-C-T. GRCh37 (hg19) VCF-style: chr20-43607122-C-T.
Other names: c.155C>T, p.Thr52Ile (NM_001352385.2); short protein forms T52I.
Identifiers: ClinVar variation 1001952 (VCV001001952.7), dbSNP rs2067377726, ClinGen allele CA409148452.
Genomic context (GRCh38, chr20:44,978,481, plus strand): 5'-TCTTCTTCTCCCAAATGTATAGGTCCTATGGCAGCGTATACAAAGCTATTCATAAAGAGA[C>T]CGGCCAGATTGTTGCTATTAAGCAAGTTCCTGTGGAATCAGACCTCCAGGAGATAATCAA-3'
Protein context (NP_006273.1, residues 42-62): GSVYKAIHKE[Thr52Ile]GQIVAIKQVP

ClinVar aggregate classification (germline): Uncertain significance (1 of 4 stars; one submission).

Conditions:
Combined immunodeficiency due to STK4 deficiency (IMD110). Also called: T-cell immunodeficiency, recurrent infections, and autoimmunity with or without cardiac malformations; STK4 DEFICIENCY; MST1 DEFICIENCY. Identifiers: Orphanet 314689, MedGen C3553943, MONDO:0013934, OMIM 614868.

Allele frequency attached by ClinVar (database versions not stated): TOPMed below 0.00001.

Submission:

Labcorp Genetics (formerly Invitae), Labcorp
Classification: Uncertain significance for Combined immunodeficiency due to STK4 deficiency. Last evaluated: 2020-09-15. Review status: criteria provided, single submitter. Criteria: Invitae Variant Classification Sherloc (09022015). Collection method: clinical testing. Allele origin: germline.
Comment: In summary, the available evidence is currently insufficient to determine the role of this variant in disease. Therefore, it has been classified as a Variant of Uncertain Significance. Advanced modeling of protein sequence and biophysical properties (such as structural, functional, and spatial information, amino acid conservation, physicochemical variation, residue mobility, and thermodynamic stability) performed at Invitae indicates that this missense variant is not expected to disrupt STK4 protein function. This variant has not been reported in the literature in individuals with STK4-related conditions. This variant is not present in population databases (ExAC no frequency). This sequence change replaces threonine with isoleucine at codon 52 of the STK4 protein (p.Thr52Ile). The threonine residue is moderately conserved and there is a moderate physicochemical difference between threonine and isoleucine.